The following is an entry in ClinVar:

NM_015021.3(ZNF292):c.1717del (p.Ile573fs)

Gene: ZNF292 (zinc finger protein 292; plus strand). Cytogenetic location: 6q14.3.
Variant type: Deletion.
Coding change: c.1717del on transcript NM_015021.3 (MANE Select); coding-DNA position 1717, one base deleted (A; older notation c.1717delA).
Protein change: p.Ile573fs; shifts the reading frame from isoleucine 573.
Molecular consequence: frameshift variant.
Genome position (GRCh38, 1-based): chr6:87,255,346, A deleted. VCF-style (leftmost placement, unchanged base first): chr6-87255345-CA-C. GRCh37 (hg19) VCF-style: chr6-87965063-CA-C.
Other names: c.1297del, p.Ile433fs (NM_001351444.2); short protein forms I433fs, I573fs.
Identifiers: ClinVar variation 3255095 (VCV003255095.2), dbSNP rs2482290757.

ClinVar aggregate classification (germline): Pathogenic (1 of 4 stars; one submission).

Conditions:
Intellectual developmental disorder, autosomal dominant 64. Also called: MENTAL RETARDATION, AUTOSOMAL DOMINANT 64. Identifiers: MedGen C5543067, MONDO:0030934, OMIM 619188.

Submission:

Victorian Clinical Genetics Services, Murdoch Childrens Research Institute
Classification: Pathogenic for Intellectual developmental disorder, autosomal dominant 64. Last evaluated: 2024-09-19. Review status: criteria provided, single submitter. Criteria: ACMG Guidelines, 2015. Collection method: clinical testing. Allele origin: germline. Inheritance: Autosomal dominant inheritance. Affected: yes.
Comment: Based on the classification scheme VCGS_Germline_v1.3.4, this variant is classified as Pathogenic. Following criteria are met: 0102 - Loss of function is a known mechanism of disease in this gene and is associated with intellectual developmental disorder, autosomal dominant 64 (MIM#619188). (I) 0107 - This gene is associated with autosomal dominant disease. (I) 0204 - Variant is predicted to result in a truncated protein (premature termination codon is NOT located at least 54 nucleotides upstream of the final exon-exon junction) with at least 1/3 of the protein sequence affected. (SP) 0251 - This variant is heterozygous. (I) 0301 - Variant is absent from gnomAD (both v2 and v3). (SP) 0701 - Many other truncating variants comparable to the one identified in this case have very strong previous evidence for pathogenicity (DECIPHER). (SP) 0807 - This variant has no previous evidence of pathogenicity. (I) 0905 - No published segregation evidence has been identified for this variant. (I) 1007 - No published functional evidence has been identified for this variant. (SP) Legend: (SP) - Supporting pathogenic, (I) - Information, (SB) - Supporting benign